The following is an entry in ClinVar:

ClinVar aggregate classification (germline): Conflicting classifications of pathogenicity. Review status: criteria provided, conflicting classifications (1 of 4 stars). 6 submissions from 6 submitters: Uncertain significance (3); Likely benign (3). Last evaluated 2026-01-27.

Conditions:
ZNF513-related disorder. Also called: ZNF513-related condition.
Retinitis pigmentosa (RP). Identifiers: Orphanet 791, MedGen C0035334, MeSH D012174, MONDO:0019200, OMIM 268000. Inheritance: Autosomal dominant, autosomal recessive and X linked inheritance.

Allele frequency attached by ClinVar (database versions not stated): 1000 Genomes Project 0.00060; 1000 Genomes Project 30x 0.00062; ESP Exome Variant Server 0.00118; TOPMed 0.00133; gnomAD 0.00163 and 0.00168; gnomAD exomes 0.00164 and 0.00182; ExAC 0.00177.
gnomAD v4.1: 2,891 of 1,612,838 alleles (0.18%); highest among the groups gnomAD compares: South Asian, 0.25%; 10 homozygotes.

Submissions (6):

Labcorp Genetics (formerly Invitae), Labcorp
Classification: Likely benign. Last evaluated: 2026-01-27. Review status: criteria provided, single submitter. Criteria: Invitae Variant Classification Sherloc (09022015). Collection method: clinical testing. Allele origin: germline.

PreventionGenetics, part of Exact Sciences
Classification: Likely benign for ZNF513-related condition. Last evaluated: 2025-09-22. Review status: criteria provided, single submitter. Criteria: ACMG Guidelines, 2015. Collection method: clinical testing. Allele origin: germline.
Comment: This variant is classified as likely benign based on ACMG/AMP sequence variant interpretation guidelines (Richards et al. 2015 PMID: 25741868, with internal and published modifications).

Blueprint Genetics
Classification: Likely benign. Last evaluated: 2024-11-26. Review status: criteria provided, single submitter. Criteria: ACMG Guidelines, 2015. Collection method: clinical testing. Allele origin: germline.

Illumina Laboratory Services, Illumina
Classification: Uncertain significance for Retinitis pigmentosa. Last evaluated: 2018-01-13. Review status: criteria provided, single submitter. Criteria: ICSL Variant Classification Criteria 13 December 2019. Collection method: clinical testing. Allele origin: germline.

CeGaT Center for Human Genetics Tuebingen
Classification: Uncertain significance. Last evaluated: 2016-07-01. Review status: criteria provided, single submitter. Criteria: CeGaT Center For Human Genetics Tuebingen Variant Classification Criteria Version 2. Collection method: clinical testing. Allele origin: germline. Affected: yes. Observed: 1 variant allele.

Eurofins Ntd Llc (ga)
Classification: Uncertain significance. Last evaluated: 2015-05-13. Review status: criteria provided, single submitter. Criteria: EGL Classification Definitions 2015. Collection method: clinical testing. Allele origin: germline. Observed: 1 variant allele, 1 heterozygote.

NM_144631.6(ZNF513):c.290C>T (p.Ala97Val)

Gene: ZNF513 (zinc finger protein 513; minus strand). Cytogenetic location: 2p23.3.
Variant type: single nucleotide variant.
Coding change: c.290C>T on transcript NM_144631.6 (MANE Select); coding-DNA position 290, C replaced by T.
Protein change: p.Ala97Val; replaces alanine 97 with valine.
Molecular consequence: missense variant.
Genome position (GRCh38, 1-based): chr2:27,378,976, G>A on the plus strand (C>T on the coding strand, the complement: ZNF513 is on the minus strand). VCF-style: chr2-27378976-G-A. GRCh37 (hg19) VCF-style: chr2-27601843-G-A.
Other names: c.104C>T, p.Ala35Val (NM_001201459.2); short protein forms A97V, A35V.
Identifiers: ClinVar variation 196576 (VCV000196576.63), dbSNP rs35554630, ClinGen allele CA243582.